The following is an entry in ClinVar:

ClinVar aggregate classification (germline): Likely benign (1 of 4 stars; one submission).

Conditions:
PLXNA3-related disorder. Also called: PLXNA3-related condition.

gnomAD v4.1: 10 of 1,208,967 alleles (0.00083%); highest among the groups gnomAD compares: Admixed American, 0.0022%; no homozygotes.

Submission:

PreventionGenetics, part of Exact Sciences
Classification: Likely benign for PLXNA3-related condition. Last evaluated: 2026-08-05. Review status: criteria provided, single submitter. Criteria: ACMG Guidelines, 2015. Collection method: clinical testing. Allele origin: germline.
Comment: This variant is classified as likely benign based on ACMG/AMP sequence variant interpretation guidelines (Richards et al. 2015 PMID: 25741868, with internal and published modifications).

NM_017514.5(PLXNA3):c.342C>T (p.Ser114=)

Gene: PLXNA3 (plexin A3; plus strand). Cytogenetic location: Xq28.
Variant type: single nucleotide variant.
Coding change: c.342C>T on transcript NM_017514.5 (MANE Select); coding-DNA position 342, C replaced by T.
Protein change: p.Ser114=; no amino-acid change (serine 114 retained).
Molecular consequence: synonymous variant.
Genome position (GRCh38, 1-based): chrX:154,460,525, C>T. VCF-style: chrX-154460525-C-T. GRCh37 (hg19) VCF-style: chrX-153688865-C-T.
Identifiers: ClinVar variation 4980994 (VCV004980994.1).